The following is an entry in ClinVar:

NM_018060.4(IARS2):c.677C>A (p.Thr226Asn)

Gene: IARS2 (isoleucyl-tRNA synthetase 2, mitochondrial; plus strand). Cytogenetic location: 1q41.
Variant type: single nucleotide variant.
Coding change: c.677C>A on transcript NM_018060.4 (MANE Select); coding-DNA position 677, C replaced by A.
Protein change: p.Thr226Asn; replaces threonine 226 with asparagine.
Molecular consequence: missense variant.
Genome position (GRCh38, 1-based): chr1:220,102,255, C>A. VCF-style: chr1-220102255-C-A. GRCh37 (hg19) VCF-style: chr1-220275597-C-A.
Other names: c.677C>A (NM_018060.3); short protein forms T226N.
Identifiers: ClinVar variation 2082938 (VCV002082938.5), dbSNP rs1656592916, ClinGen allele CA344625720.

ClinVar aggregate classification (germline): Uncertain significance. Review status: criteria provided, multiple submitters, no conflicts (2 of 4 stars). 2 submissions from 2 submitters: Uncertain significance (2). Last evaluated 2024-11-24.

Conditions:
Inborn genetic diseases. Identifiers: MedGen C0950123, MeSH D030342.

Allele frequency attached by ClinVar (database versions not stated): TOPMed 0.00002.

Submissions (2):

Ambry Genetics
Classification: Uncertain significance for Inborn genetic diseases. Last evaluated: 2024-11-24. Review status: criteria provided, single submitter. Criteria: Ambry Variant Classification Scheme 2023. Collection method: clinical testing. Allele origin: germline.

Labcorp Genetics (formerly Invitae), Labcorp
Classification: Uncertain significance. Last evaluated: 2022-04-22. Review status: criteria provided, single submitter. Criteria: Invitae Variant Classification Sherloc (09022015). Collection method: clinical testing. Allele origin: germline.
Comment: This sequence change replaces threonine, which is neutral and polar, with asparagine, which is neutral and polar, at codon 226 of the IARS2 protein (p.Thr226Asn). In summary, the available evidence is currently insufficient to determine the role of this variant in disease. Therefore, it has been classified as a Variant of Uncertain Significance. Algorithms developed to predict the effect of missense changes on protein structure and function output the following: SIFT: "Deleterious"; PolyPhen-2: "Benign"; Align-GVGD: "Class C0". The asparagine amino acid residue is found in multiple mammalian species, which suggests that this missense change does not adversely affect protein function. This variant has not been reported in the literature in individuals affected with IARS2-related conditions. This variant is not present in population databases (gnomAD no frequency).